The following is an entry in ClinVar:

NM_004304.5(ALK):c.362G>T (p.Arg121Leu)

Gene: ALK (ALK receptor tyrosine kinase; minus strand). Cytogenetic location: 2p23.1.
Variant type: single nucleotide variant.
Coding change: c.362G>T on transcript NM_004304.5 (MANE Select); coding-DNA position 362, G replaced by T.
Protein change: p.Arg121Leu; replaces arginine 121 with leucine.
Molecular consequence: missense variant.
Genome position (GRCh38, 1-based): chr2:29,920,298, C>A on the plus strand (G>T on the coding strand, the complement: ALK is on the minus strand). VCF-style: chr2-29920298-C-A. GRCh37 (hg19) VCF-style: chr2-30143164-C-A.
Other names: short protein forms R121L.
Identifiers: ClinVar variation 404368 (VCV000404368.11), dbSNP rs779147984, ClinGen allele CA1594993.

ClinVar aggregate classification (germline): Uncertain significance (1 of 4 stars; one submission).

Conditions:
Neuroblastoma, susceptibility to, 3. Also called: ALK-Related Neuroblastic Tumor Susceptibility. Identifiers: Orphanet 635, MedGen C2751681, MONDO:0013083, OMIM 613014.

Allele frequency attached by ClinVar (database versions not stated): ExAC below 0.00001; gnomAD 0.00006.

Submission:

Labcorp Genetics (formerly Invitae), Labcorp
Classification: Uncertain significance for Neuroblastoma, susceptibility to, 3. Last evaluated: 2025-07-29. Review status: criteria provided, single submitter. Criteria: Invitae Variant Classification Sherloc (09022015). Collection method: clinical testing. Allele origin: germline.
Comment: This sequence change replaces arginine, which is basic and polar, with leucine, which is neutral and non-polar, at codon 121 of the ALK protein (p.Arg121Leu). This variant is present in population databases (rs779147984, gnomAD 0.1%). This variant has not been reported in the literature in individuals affected with ALK-related conditions. ClinVar contains an entry for this variant (Variation ID: 404368). An algorithm developed to predict the effect of missense changes on protein structure and function (PolyPhen-2) suggests that this variant is likely to be tolerated. In summary, the available evidence is currently insufficient to determine the role of this variant in disease. Therefore, it has been classified as a Variant of Uncertain Significance.